The following is an entry in ClinVar:

ClinVar aggregate classification (germline): Uncertain significance (1 of 4 stars; one submission).

Allele frequency attached by ClinVar (database versions not stated): gnomAD exomes below 0.00001.
gnomAD v4.1: 1 of 1,611,738 alleles (0.000062%); highest among the groups gnomAD compares: East Asian, 0.0022%; no homozygotes.

Submission:

Labcorp Genetics (formerly Invitae), Labcorp
Classification: Uncertain significance. Last evaluated: 2025-09-02. Review status: criteria provided, single submitter. Criteria: Invitae Variant Classification Sherloc (09022015). Collection method: clinical testing. Allele origin: germline.
Comment: This sequence change falls in intron 26 of the FLNB gene. It does not directly change the encoded amino acid sequence of the FLNB protein. It affects a nucleotide within the consensus splice site. This variant is present in population databases (no rsID available, gnomAD 0.006%). This variant has not been reported in the literature in individuals affected with FLNB-related conditions. ClinVar contains an entry for this variant (Variation ID: 2709434). Variants that disrupt the consensus splice site are a relatively common cause of aberrant splicing (PMID: 17576681, 9536098). Algorithms developed to predict the effect of sequence changes on RNA splicing suggest that this variant is not likely to affect RNA splicing. In summary, the available evidence is currently insufficient to determine the role of this variant in disease. Therefore, it has been classified as a Variant of Uncertain Significance.

Literature cited by the submitters: PubMed 17576681; PubMed 9536098.

NM_001457.4(FLNB):c.4514+3A>C

Gene: FLNB (filamin B; plus strand). Cytogenetic location: 3p14.3.
Variant type: single nucleotide variant.
Coding change: c.4514+3A>C on transcript NM_001457.4 (MANE Select); 3 bases into the intron after coding-DNA position 4514, A replaced by C.
Molecular consequence: intron variant.
Genome position (GRCh38, 1-based): chr3:58,132,934, A>C. VCF-style: chr3-58132934-A-C. GRCh37 (hg19) VCF-style: chr3-58118661-A-C.
Other names: c.4607+3A>C (NM_001164317.2); c.4514+3A>C (NM_001164318.2, NM_001164319.2).
Identifiers: ClinVar variation 2709434 (VCV002709434.3), dbSNP rs1303022656, ClinGen allele CA543250864.
Genomic context (GRCh38, chr3:58,132,934, plus strand): 5'-CTCAGGAGGGACCTTACATGGTCTCAGTTAAATATGCTGATGAAGAGATTCCTCGCAGGT[A>C]AGCTCCATCCATCTGCCCATCCATTCCTCCATCAGTCTATCTGTCCACCCATCCATTCCT-3'